The following is an entry in ClinVar:

ClinVar aggregate classification (germline): Benign/Likely benign. Review status: criteria provided, multiple submitters, no conflicts (2 of 4 stars). 10 submissions from 9 submitters: Benign (1); Likely benign (7). 2 of the submissions do not count toward it. Last evaluated 2026-04-27.

Conditions:
Adams-Oliver syndrome 5 (AOS5). Identifiers: Orphanet 974, MedGen C4014970, MONDO:0014459, OMIM 616028.
Familial thoracic aortic aneurysm and aortic dissection (TAAD). Also called: Thoracic aortic aneurysms and dissections. Identifiers: Orphanet 91387, MedGen C4707243, MONDO:0019625.
Aortic valve disease 1 (AOVD1). Identifiers: MedGen C3887892, MONDO:0024523, OMIM 109730.

Allele frequency attached by ClinVar (database versions not stated): ExAC below 0.00001; TOPMed 0.00002; gnomAD 0.00003; gnomAD exomes 0.00004 and 0.00013.
gnomAD v4.1: 68 of 1,557,910 alleles (0.0044%); highest among the groups gnomAD compares: East Asian, 0.031%; no homozygotes.

Submissions (10):

Women's Health and Genetics/Laboratory Corporation of America, LabCorp
Classification: Benign. Last evaluated: 2026-04-27. Review status: criteria provided, single submitter. Criteria: LabCorp Variant Classification Summary - May 2015. Collection method: clinical testing. Allele origin: germline.

Labcorp Genetics (formerly Invitae), Labcorp
Classification: Likely benign for Adams-Oliver syndrome 5. Last evaluated: 2026-01-19. Review status: criteria provided, single submitter. Criteria: Invitae Variant Classification Sherloc (09022015). Collection method: clinical testing. Allele origin: germline.

CeGaT Center for Human Genetics Tuebingen
Classification: Likely benign. Last evaluated: 2026-01-01. Review status: criteria provided, single submitter. Criteria: CeGaT Center For Human Genetics Tuebingen Variant Classification Criteria Version 2. Collection method: clinical testing. Allele origin: germline. Affected: yes. Observed: 1 variant allele.
Comment: NOTCH1: BP4, BP7

Blueprint Genetics
Classification: Likely benign. Last evaluated: 2024-05-20. Review status: criteria provided, single submitter. Criteria: ACMG Guidelines, 2015. Collection method: clinical testing. Allele origin: germline.

Genome-Nilou Lab
Classification: Likely benign for Adams-Oliver syndrome 5. Last evaluated: 2022-03-15. Review status: criteria provided, single submitter. Criteria: ACMG Guidelines, 2015. Collection method: clinical testing. Allele origin: germline. Affected: no.

Genome-Nilou Lab
Classification: Likely benign for Aortic valve disease 1. Last evaluated: 2022-03-15. Review status: criteria provided, single submitter. Criteria: ACMG Guidelines, 2015. Collection method: clinical testing. Allele origin: germline. Affected: no.

GeneDx
Classification: Likely benign. Last evaluated: 2019-10-07. Review status: criteria provided, single submitter. Criteria: GeneDx Variant Classification Process June 2021. Collection method: clinical testing. Allele origin: germline. Affected: yes.

Ambry Genetics
Classification: Likely benign for Familial thoracic aortic aneurysm and aortic dissection. Last evaluated: 2016-03-07. Review status: criteria provided, single submitter. Criteria: Ambry Variant Classification Scheme 2023. Collection method: clinical testing. Allele origin: germline.

Clinical Genetics DNA and cytogenetics Diagnostics Lab, Erasmus MC, Erasmus Medical Center
Classification: Likely benign. Review status: no assertion criteria provided. Collection method: clinical testing. Allele origin: germline. Affected: yes. Study: VKGL Data-share Consensus. Not counted in ClinVar's aggregate classification.

Genome Diagnostics Laboratory, Amsterdam University Medical Center
Classification: Likely benign. Review status: no assertion criteria provided. Collection method: clinical testing. Allele origin: germline. Affected: yes. Study: VKGL Data-share Consensus. Not counted in ClinVar's aggregate classification.

NM_017617.5(NOTCH1):c.621C>T (p.Arg207=)

Gene: NOTCH1 (notch receptor 1; minus strand). Cytogenetic location: 9q34.3.
Variant type: single nucleotide variant.
Coding change: c.621C>T on transcript NM_017617.5 (MANE Select); coding-DNA position 621, C replaced by T.
Protein change: p.Arg207=; no amino-acid change (arginine 207 retained).
Molecular consequence: synonymous variant.
Genome position (GRCh38, 1-based): chr9:136,522,971, G>A on the plus strand (C>T on the coding strand, the complement: NOTCH1 is on the minus strand). VCF-style: chr9-136522971-G-A. GRCh37 (hg19) VCF-style: chr9-139417423-G-A.
Other names: c.621C>T, p.Arg207= (LRG_1122t1).
Identifiers: ClinVar variation 415417 (VCV000415417.32), dbSNP rs756164624, ClinGen allele CA5342113.